The following is an entry in ClinVar:

NM_016938.5(EFEMP2):c.271C>G (p.Leu91Val)

Gene: EFEMP2 (EGF-like fibulin extracellular matrix protein 2; minus strand). Cytogenetic location: 11q13.1.
Variant type: single nucleotide variant.
Coding change: c.271C>G on transcript NM_016938.5 (MANE Select); coding-DNA position 271, C replaced by G.
Protein change: p.Leu91Val; replaces leucine 91 with valine.
Molecular consequence: missense variant. On other transcripts: non-coding transcript variant (1).
Genome position (GRCh38, 1-based): chr11:65,871,253, G>C on the plus strand (C>G on the coding strand, the complement: EFEMP2 is on the minus strand). VCF-style: chr11-65871253-G-C. GRCh37 (hg19) VCF-style: chr11-65638724-G-C.
Other names: short protein forms L91V.
Identifiers: ClinVar variation 3390086 (VCV003390086.14).

ClinVar aggregate classification (germline): Uncertain significance (1 of 4 stars; one submission).

gnomAD v4.1: 2 of 1,613,936 alleles (0.00012%); highest among the groups gnomAD compares: South Asian, 0.0011%; no homozygotes.

Submission:

CeGaT Center for Human Genetics Tuebingen
Classification: Uncertain significance. Last evaluated: 2024-11-01. Review status: criteria provided, single submitter. Criteria: CeGaT Center For Human Genetics Tuebingen Variant Classification Criteria Version 2. Collection method: clinical testing. Allele origin: germline. Affected: yes. Observed: 1 variant allele.
Comment: EFEMP2: PM2, BP4